The following is an entry in ClinVar:

NM_020436.5(SALL4):c.726G>A (p.Trp242Ter)

Gene: SALL4 (spalt like transcription factor 4; minus strand). Cytogenetic location: 20q13.2.
Variant type: single nucleotide variant.
Coding change: c.726G>A on transcript NM_020436.5 (MANE Select); coding-DNA position 726, G replaced by A.
Protein change: p.Trp242Ter; replaces tryptophan 242 with a stop codon.
Molecular consequence: nonsense.
Genome position (GRCh38, 1-based): chr20:51,791,757, C>T on the plus strand (G>A on the coding strand, the complement: SALL4 is on the minus strand). VCF-style: chr20-51791757-C-T. GRCh37 (hg19) VCF-style: chr20-50408296-C-T.
Other names: c.726G>A, p.Trp242Ter (NM_001318031.2); short protein forms W242*.
Identifiers: ClinVar variation 4991424 (VCV004991424.1).
Genomic context (GRCh38, chr20:51,791,757, plus strand): 5'-GCTGCCCAAGGTCTTCAGAGTGTCGGCCCCTGCCCCGCTTGAGTGGAGGGCGTGGGAGGC[C>T]CACATGTTCACCTGGATGCGGATCTGCTCGGTGAGCTGGATCTGCTGTAGCTGCTGCTGC-3'

ClinVar aggregate classification (germline): Pathogenic (1 of 4 stars; one submission).

Conditions:
SALL4-Related Disorders. Also called: SALL4-related disorder; SALL4-related condition. Identifiers: MedGen CN381056.

Submission:

PreventionGenetics, part of Exact Sciences
Classification: Pathogenic for SALL4-related condition. Last evaluated: 2026-01-20. Review status: criteria provided, single submitter. Criteria: ACMG Guidelines, 2015. Collection method: clinical testing. Allele origin: germline.
Comment: The SALL4 c.726G>A variant is predicted to result in premature protein termination (p.Trp242*). To our knowledge, this variant has not been reported in the literature or in a large population database (gnomAD), indicating this variant is rare. Nonsense variants in SALL4 are expected to be pathogenic. This variant is interpreted as pathogenic.